The following is an entry in ClinVar:

NM_001080467.3(MYO5B):c.593C>T (p.Ala198Val)

Gene: MYO5B (myosin VB; minus strand). Cytogenetic location: 18q21.1.
Variant type: single nucleotide variant.
Coding change: c.593C>T on transcript NM_001080467.3 (MANE Select); coding-DNA position 593, C replaced by T.
Protein change: p.Ala198Val; replaces alanine 198 with valine.
Molecular consequence: missense variant.
Genome position (GRCh38, 1-based): chr18:50,001,274, G>A on the plus strand (C>T on the coding strand, the complement: MYO5B is on the minus strand). VCF-style: chr18-50001274-G-A. GRCh37 (hg19) VCF-style: chr18-47527644-G-A.
Other names: short protein forms A198V.
Identifiers: ClinVar variation 1719287 (VCV001719287.5), dbSNP rs779552947, ClinGen allele CA402439789.

ClinVar aggregate classification (germline): Uncertain significance (1 of 4 stars; one submission).

gnomAD v4.1: 1 of 1,614,208 alleles (0.000062%); highest among the groups gnomAD compares: Non-Finnish European, 0.000085%; no homozygotes.

Submission:

Labcorp Genetics (formerly Invitae), Labcorp
Classification: Uncertain significance. Last evaluated: 2022-09-19. Review status: criteria provided, single submitter. Criteria: Invitae Variant Classification Sherloc (09022015). Collection method: clinical testing. Allele origin: germline.
Comment: Advanced modeling of protein sequence and biophysical properties (such as structural, functional, and spatial information, amino acid conservation, physicochemical variation, residue mobility, and thermodynamic stability) performed at Invitae indicates that this missense variant is expected to disrupt MYO5B protein function. This variant has not been reported in the literature in individuals affected with MYO5B-related conditions. This variant is not present in population databases (gnomAD no frequency). This sequence change replaces alanine, which is neutral and non-polar, with valine, which is neutral and non-polar, at codon 198 of the MYO5B protein (p.Ala198Val). In summary, the available evidence is currently insufficient to determine the role of this variant in disease. Therefore, it has been classified as a Variant of Uncertain Significance.